The following is an entry in ClinVar:

NM_199242.3(UNC13D):c.569T>G (p.Leu190Arg)

Gene: UNC13D (unc-13 homolog D; minus strand). Cytogenetic location: 17q25.1.
Variant type: single nucleotide variant.
Coding change: c.569T>G on transcript NM_199242.3 (MANE Select); coding-DNA position 569, T replaced by G.
Protein change: p.Leu190Arg; replaces leucine 190 with arginine.
Molecular consequence: missense variant.
Genome position (GRCh38, 1-based): chr17:75,842,433, A>C on the plus strand (T>G on the coding strand, the complement: UNC13D is on the minus strand). VCF-style: chr17-75842433-A-C. GRCh37 (hg19) VCF-style: chr17-73838514-A-C.
Other names: short protein forms L190R.
Identifiers: ClinVar variation 2818022 (VCV002818022.3), dbSNP rs2545987241, ClinGen allele CA401113660.

ClinVar aggregate classification (germline): Uncertain significance (1 of 4 stars; one submission).

Conditions:
Familial hemophagocytic lymphohistiocytosis 3 (FHL3). Also called: UNC13D-Related Familial Hemophagocytic Lymphohistiocytosis (UNC13D-fHLH). Identifiers: Orphanet 540, MedGen C1837174, MONDO:0012146, OMIM 608898.

Submission:

Labcorp Genetics (formerly Invitae), Labcorp
Classification: Uncertain significance for Familial hemophagocytic lymphohistiocytosis 3. Last evaluated: 2023-01-26. Review status: criteria provided, single submitter. Criteria: Invitae Variant Classification Sherloc (09022015). Collection method: clinical testing. Allele origin: germline.
Comment: In summary, the available evidence is currently insufficient to determine the role of this variant in disease. Therefore, it has been classified as a Variant of Uncertain Significance. Algorithms developed to predict the effect of sequence changes on RNA splicing suggest that this variant may disrupt the consensus splice site. An algorithm developed to predict the effect of missense changes on protein structure and function (PolyPhen-2) suggests that this variant is likely to be disruptive. This variant has not been reported in the literature in individuals affected with UNC13D-related conditions. This variant is not present in population databases (gnomAD no frequency). This sequence change replaces leucine, which is neutral and non-polar, with arginine, which is basic and polar, at codon 190 of the UNC13D protein (p.Leu190Arg).